The following is an entry in ClinVar:

NM_201253.3(CRB1):c.3014A>G (p.Asp1005Gly)

Gene: CRB1 (crumbs cell polarity complex component 1; plus strand). Cytogenetic location: 1q31.3.
Variant type: single nucleotide variant.
Coding change: c.3014A>G on transcript NM_201253.3 (MANE Select); coding-DNA position 3014, A replaced by G.
Protein change: p.Asp1005Gly; replaces aspartic acid 1005 with glycine.
Molecular consequence: missense variant. On other transcripts: non-coding transcript variant (2), intron variant (1).
Genome position (GRCh38, 1-based): chr1:197,434,877, A>G. VCF-style: chr1-197434877-A-G. GRCh37 (hg19) VCF-style: chr1-197404007-A-G.
Other names: c.2678A>G, p.Asp893Gly (NM_001193640.2); c.2942A>G, p.Asp981Gly (NM_001257965.2); c.2129-723A>G (NM_001257966.2); short protein forms D981G, D893G, D1005G.
Identifiers: ClinVar variation 1413939 (VCV001413939.5), dbSNP rs369184026, ClinGen allele CA35906762.

ClinVar aggregate classification (germline): Conflicting classifications of pathogenicity. Review status: criteria provided, conflicting classifications (1 of 4 stars). 2 submissions from 2 submitters: Likely pathogenic (1); Uncertain significance (1). Last evaluated 2024-02-05.

Conditions:
CRB1-related disorder. Also called: CRB1-related condition; CRB1-related disorders.
Retinitis pigmentosa 12 (RP12). Also called: RP WITH OR WITHOUT PPRPE; RP WITH OR WITHOUT PRESERVED PARAARTERIOLE RETINAL PIGMENT EPITHELIUM; RETINITIS PIGMENTOSA WITH OR WITHOUT PARAARTERIOLAR PRESERVATION OF RETINAL PIGMENT EPITHELIUM. Identifiers: Orphanet 791, MedGen C1838647, MONDO:0010818, OMIM 600105.
Leber congenital amaurosis 8 (LCA8). Identifiers: Orphanet 65, MedGen C3151202, MONDO:0013453, OMIM 613835.

Allele frequency attached by ClinVar (database versions not stated): ESP Exome Variant Server 0.00008.
gnomAD v4.1: 8 of 1,613,728 alleles (0.0005%); highest among the groups gnomAD compares: Admixed American, 0.0033%; no homozygotes.

Submissions (2):

Labcorp Genetics (formerly Invitae), Labcorp
Classification: Uncertain significance for Leber congenital amaurosis 8; Retinitis pigmentosa 12. Last evaluated: 2024-02-05. Review status: criteria provided, single submitter. Criteria: Invitae Variant Classification Sherloc (09022015). Collection method: clinical testing. Allele origin: germline.
Comment: This sequence change replaces aspartic acid, which is acidic and polar, with glycine, which is neutral and non-polar, at codon 1005 of the CRB1 protein (p.Asp1005Gly). The frequency data for this variant in the population databases is considered unreliable, as metrics indicate poor data quality at this position in the gnomAD database. This variant has not been reported in the literature in individuals affected with CRB1-related conditions. ClinVar contains an entry for this variant (Variation ID: 1413939). Advanced modeling of protein sequence and biophysical properties (such as structural, functional, and spatial information, amino acid conservation, physicochemical variation, residue mobility, and thermodynamic stability) has been performed at Invitae for this missense variant, however the output from this modeling did not meet the statistical confidence thresholds required to predict the impact of this variant on CRB1 protein function. This variant disrupts the p.Asp1005 amino acid residue in CRB1. Other variant(s) that disrupt this residue have been determined to be pathogenic (PMID: 23379534, 28559085). This suggests that this residue is clinically significant, and that variants that disrupt this residue are likely to be disease-causing. In summary, the available evidence is currently insufficient to determine the role of this variant in disease. Therefore, it has been classified as a Variant of Uncertain Significance.

Blueprint Genetics
Classification: Likely pathogenic for CRB1-related disorders. Last evaluated: 2022-09-26. Review status: criteria provided, single submitter. Criteria: ACMG Guidelines, 2015. Collection method: clinical testing. Allele origin: germline. Affected: yes. Observed: 4 variant alleles.

Literature cited by the submitters: PubMed 23379534 (cited by Labcorp Genetics (formerly Invitae), Labcorp); PubMed 28559085 (cited by Labcorp Genetics (formerly Invitae), Labcorp).